The following is an entry in ClinVar:

NM_000179.3(MSH6):c.2868G>C (p.Glu956Asp)

Gene: MSH6 (mutS homolog 6; plus strand). Cytogenetic location: 2p16.3.
Variant type: single nucleotide variant.
Coding change: c.2868G>C on transcript NM_000179.3 (MANE Select); coding-DNA position 2868, G replaced by C.
Protein change: p.Glu956Asp; replaces glutamic acid 956 with aspartic acid.
Molecular consequence: missense variant. On other transcripts: non-coding transcript variant (5), intron variant (2).
Genome position (GRCh38, 1-based): chr2:47,800,851, G>C. VCF-style: chr2-47800851-G-C. GRCh37 (hg19) VCF-style: chr2-48027990-G-C.
Other names: c.2478G>C, p.Glu826Asp (NM_001281492.2); c.1962G>C, p.Glu654Asp (NM_001281493.2, NM_001281494.2, NM_001406815.1 and 6 more transcripts); c.2964G>C, p.Glu988Asp (NM_001406795.1, NM_001406802.1); c.2868G>C, p.Glu956Asp (NM_001406796.1, NM_001406798.1, NM_001406800.1 and 2 more transcripts); c.2571G>C, p.Glu857Asp (NM_001406797.1, NM_001406801.1, NM_001406818.1 and 10 more transcripts); c.2343G>C, p.Glu781Asp (NM_001406799.1, NM_001406806.1, NM_001406807.1); c.2308+560G>C (NM_001406803.1); c.1606+1262G>C (NM_001406817.1); and 4 more; short protein forms E654D, E956D, E958D, E271D, E781D, E826D, E988D, E857D.
Identifiers: ClinVar variation 4111241 (VCV004111241.1).

ClinVar aggregate classification (germline): Uncertain significance (1 of 4 stars; one submission).

Conditions:
Hereditary cancer-predisposing syndrome. Also called: Tumor predisposition; Neoplastic Syndromes, Hereditary; Hereditary neoplastic syndrome; Hereditary Cancer Syndrome. Identifiers: Orphanet 140162, MedGen C0027672, MeSH D009386, MONDO:0015356.

Submission:

Ambry Genetics
Classification: Uncertain significance for Hereditary cancer-predisposing syndrome. Last evaluated: 2025-09-05. Review status: criteria provided, single submitter. Criteria: Ambry Variant Classification Scheme 2023. Collection method: clinical testing. Allele origin: germline.
Comment: The p.E956D variant (also known as c.2868G>C), located in coding exon 4 of the MSH6 gene, results from a G to C substitution at nucleotide position 2868. The glutamic acid at codon 956 is replaced by aspartic acid, an amino acid with highly similar properties. This amino acid position is not well conserved in available vertebrate species, and aspartic acid is the reference amino acid in other vertebrate species. In addition, this alteration is predicted to be tolerated by in silico analysis. Based on the available evidence, the clinical significance of this variant remains unclear.